The following is an entry in ClinVar:

NM_005198.5(CHKB):c.565_568del (p.Phe189fs)

Genes: CHKB (choline kinase beta; minus strand), CHKB-CPT1B (CHKB-CPT1B readthrough (NMD candidate); minus strand). Cytogenetic location: 22q13.33.
Variant type: Deletion.
Coding change: c.565_568del on transcript NM_005198.5 (MANE Select); coding-DNA positions 565 to 568, 4 bases deleted (TTTG; older notation c.565_568delTTTG).
Protein change: p.Phe189fs; shifts the reading frame from phenylalanine 189.
Molecular consequence: frameshift variant. On other transcripts: non-coding transcript variant (1).
Genome position (GRCh38, 1-based): chr22:50,581,433-50,581,436, CAAA deleted on the plus strand (TTTG on the coding strand, the reverse complement: CHKB is on the minus strand); deleting any 4 consecutive bases within chr22:50,581,433-50,581,438 gives the same sequence; the c. name uses the placement nearest the transcript's 3' end. VCF-style (leftmost placement, unchanged base first): chr22-50581432-CCAAA-C. GRCh37 (hg19) VCF-style: chr22-51019861-CCAAA-C.
Other names: short protein forms F189fs.
Identifiers: ClinVar variation 632393 (VCV000632393.12), dbSNP rs752436924, ClinGen allele CA10323748.

ClinVar aggregate classification (germline): Pathogenic/Likely pathogenic. Review status: criteria provided, multiple submitters, no conflicts (2 of 4 stars). 2 submissions from 2 submitters: Pathogenic (1); Likely pathogenic (1). Last evaluated 2024-06-16.

Conditions:
Megaconial type congenital muscular dystrophy (MDCMC). Also called: MUSCULAR DYSTROPHY, CONGENITAL, WITH MITOCHONDRIAL STRUCTURAL ABNORMALITIES; CHKB-Related Muscle Diseases; CHKB-Related Muscular Dystrophy. Identifiers: Orphanet 280671, MedGen C1865233, MONDO:0011246, OMIM 602541.
CHKB-related disorder. Also called: CHKB-related condition.

Submissions (2):

Labcorp Genetics (formerly Invitae), Labcorp
Classification: Pathogenic for Megaconial type congenital muscular dystrophy. Last evaluated: 2024-06-16. Review status: criteria provided, single submitter. Criteria: Invitae Variant Classification Sherloc (09022015). Collection method: clinical testing. Allele origin: germline.
Comment: This sequence change creates a premature translational stop signal (p.Phe189Glyfs*7) in the CHKB gene. It is expected to result in an absent or disrupted protein product. Loss-of-function variants in CHKB are known to be pathogenic (PMID: 21665002). This variant is present in population databases (rs752436924, gnomAD 0.002%). This premature translational stop signal has been observed in individual(s) with clinical features of congenital muscular dystrophy (Invitae). ClinVar contains an entry for this variant (Variation ID: 632393). For these reasons, this variant has been classified as Pathogenic.

Blueprint Genetics
Classification: Likely pathogenic for CHKB-related disorders. Last evaluated: 2023-08-17. Review status: criteria provided, single submitter. Criteria: ACMG Guidelines, 2015. Collection method: clinical testing. Allele origin: germline. Affected: yes. Observed: 5 variant alleles.

Literature cited by the submitters: PubMed 21665002 (cited by Labcorp Genetics (formerly Invitae), Labcorp).